The following is an entry in ClinVar:

ClinVar aggregate classification (germline): Likely benign (0 of 4 stars; one submission).

Conditions:
OSMR-related disorder. Also called: OSMR-related condition.

Submission:

PreventionGenetics, part of Exact Sciences
Classification: Likely benign for OSMR-related condition. Last evaluated: 2019-12-23. Review status: no assertion criteria provided. Collection method: clinical testing. Allele origin: germline.
Comment: This variant is classified as likely benign based on ACMG/AMP sequence variant interpretation guidelines (Richards et al. 2015 PMID: 25741868, with internal and published modifications).

NM_003999.3(OSMR):c.419-8dup

Gene: OSMR (oncostatin M receptor; plus strand). Cytogenetic location: 5p13.1.
Variant type: Duplication.
Coding change: c.419-8dup on transcript NM_003999.3 (MANE Select); 8 bases into the intron before coding-DNA position 419, one base duplicated (T; older notation c.419-8dupT).
Molecular consequence: intron variant.
Genome position (GRCh38, 1-based): chr5:38,883,819, T duplicated; the last of 9 consecutive T bases (chr5:38,883,811-38,883,819); duplicating any one gives the same sequence. VCF-style (leftmost placement, unchanged base first): chr5-38883810-A-AT. GRCh37 (hg19) VCF-style: chr5-38883912-A-AT.
Other names: c.419-8dup (NM_001323506.2, NM_001323505.2, NM_001323507.2 and 2 more transcripts).
Identifiers: ClinVar variation 3040586 (VCV003040586.2), dbSNP rs754064150, ClinGen allele CA3243765.